The following is an entry in ClinVar:

NM_000277.3(PAH):c.1100T>C (p.Leu367Pro)

Gene: PAH (phenylalanine hydroxylase; minus strand). Cytogenetic location: 12q23.2.
Variant type: single nucleotide variant.
Coding change: c.1100T>C on transcript NM_000277.3 (MANE Select); coding-DNA position 1100, T replaced by C.
Protein change: p.Leu367Pro; replaces leucine 367 with proline.
Molecular consequence: missense variant.
Genome position (GRCh38, 1-based): chr12:102,843,745, A>G on the plus strand (T>C on the coding strand, the complement: PAH is on the minus strand). VCF-style: chr12-102843745-A-G. GRCh37 (hg19) VCF-style: chr12-103237523-A-G.
Other names: NM_000277.2(PAH):c.1100T>C; c.1100T>C, p.Leu367Pro (NM_001354304.2); short protein forms L367P.
Identifiers: ClinVar variation 102525 (VCV000102525.5), dbSNP rs62508574, ClinGen allele CA229344.

ClinVar aggregate classification (germline): Uncertain significance. Review status: reviewed by expert panel (3 of 4 stars). 4 submissions from 4 submitters: Uncertain significance (1). 3 of the submissions do not count toward it. Last evaluated 2018-12-08.

Conditions:
Phenylketonuria (PKU). Also called: Phenylketonuria (PKU); FOLLING DISEASE; OLIGOPHRENIA PHENYLPYRUVICA; Phenylketonurias. Identifiers: Orphanet 716, MedGen C0031485, MONDO:0009861, OMIM 261600. Disease mechanism: loss of function.

Allele frequency attached by ClinVar (database versions not stated): gnomAD exomes below 0.00001.
gnomAD v4.1: 2 of 1,613,780 alleles (0.00012%); highest among the groups gnomAD compares: Non-Finnish European, 0.00017%; no homozygotes.

Submissions (4):

ClinGen PAH Variant Curation Expert Panel
Classification: Uncertain significance for Phenylketonuria. Last evaluated: 2018-12-08. Review status: reviewed by expert panel. Criteria: ClinGen PAH ACMG Specifications v1. Collection method: curation. Allele origin: germline. Inheritance: Autosomal recessive inheritance.
Comment: (PMID: 21307867) This variant is absent in population databases. It is predicted deleterious by SIFT, Polyphen-2 and MutationTaster. In summary, this variant meets criteria to be classified as uncertain significance for PAH. PAH-specific ACMG/AMP criteria applied: PP4_Moderate, PM2, PP3.

Myriad Genetics, Inc.
Classification: Uncertain significance for Phenylketonuria. Last evaluated: 2025-10-09. Review status: criteria provided, single submitter. Criteria: Myriad Autosomal Dominant, Autosomal Recessive and X-Linked Classification Criteria (2023). Collection method: clinical testing. Allele origin: unknown. Not counted in ClinVar's aggregate classification.
Comment: NM_000277.1(PAH):c.1100T>C(L367P) is a missense variant classified as a variant of uncertain significance in the context of phenylalanine hydroxylase deficiency. L367P has been observed in a case with relevant disease (PMID: 33803550). Relevant functional assessments of this variant are not available in the literature. L367P has not been observed in referenced population frequency databases. In summary, there is insufficient evidence to classify NM_000277.1(PAH):c.1100T>C(L367P) as pathogenic or benign. Please note: this variant was assessed in the context of healthy population screening.

Women's Health and Genetics/Laboratory Corporation of America, LabCorp
Classification: Uncertain significance. Last evaluated: 2025-01-16. Review status: criteria provided, single submitter. Criteria: LabCorp Variant Classification Summary - May 2015. Collection method: clinical testing. Allele origin: germline. Not counted in ClinVar's aggregate classification.
Comment: Variant summary: PAH c.1100T>C (p.Leu367Pro) results in a non-conservative amino acid change located in the Biopterin-dependent aromatic amino acid hydroxylase domain (IPR019774) of the encoded protein sequence. Five of five in-silico tools predict a damaging effect of the variant on protein function. The variant was absent in 251232 control chromosomes. c.1100T>C has been reported in the literature in individuals affected with Phenylalanine Hydroxylase Deficiency (Phenylketonuria) (Okano_2011, Odagiri_2021). These data indicate that the variant may be associated with disease. To our knowledge, no experimental evidence demonstrating an impact on protein function has been reported. The following publications have been ascertained in the context of this evaluation (PMID: 33803550, 21307867). ClinVar contains an entry for this variant (Variation ID: 102525). Based on the evidence outlined above, the variant was classified as VUS-possibly pathogenic.

DeBelle Laboratory for Biochemical Genetics, MUHC/MCH RESEARCH INSTITUTE
No classification provided. Review status: no classification provided. Collection method: not provided. Allele origin: not provided. Not counted in ClinVar's aggregate classification.

Literature cited by the submitters: PubMed 21307867 (cited by ClinGen PAH Variant Curation Expert Panel and Women's Health and Genetics/Laboratory Corporation of America, LabCorp); PubMed 33803550 (cited by Myriad Genetics, Inc. and Women's Health and Genetics/Laboratory Corporation of America, LabCorp).